The following is an entry in ClinVar:

ClinVar aggregate classification (germline): Uncertain significance. Review status: criteria provided, multiple submitters, no conflicts (2 of 4 stars). 5 submissions from 5 submitters: Uncertain significance (5). Last evaluated 2025-02-21.

Conditions:
Congenital myasthenic syndrome 19. Identifiers: Orphanet 590, MedGen C4225235, MONDO:0014745, OMIM 616720.
Inborn genetic diseases. Identifiers: MedGen C0950123, MeSH D030342.

Allele frequency attached by ClinVar (database versions not stated): ESP Exome Variant Server 0.00066; TOPMed 0.00065.

Submissions (5):

Ambry Genetics
Classification: Uncertain significance for Inborn genetic diseases. Last evaluated: 2025-02-21. Review status: criteria provided, single submitter. Criteria: Ambry Variant Classification Scheme 2023. Collection method: clinical testing. Allele origin: germline.

Revvity Omics, Revvity
Classification: Uncertain significance for Congenital myasthenic syndrome 19. Last evaluated: 2024-04-05. Review status: criteria provided, single submitter. Criteria: ACMG Guidelines, 2015. Collection method: clinical testing. Allele origin: germline.

Mayo Clinic Laboratories, Mayo Clinic
Classification: Uncertain significance. Last evaluated: 2023-09-27. Review status: criteria provided, single submitter. Criteria: ACMG Guidelines, 2015. Collection method: clinical testing. Allele origin: germline. Observed: 1 variant allele.

Labcorp Genetics (formerly Invitae), Labcorp
Classification: Uncertain significance. Last evaluated: 2022-10-17. Review status: criteria provided, single submitter. Criteria: Invitae Variant Classification Sherloc (09022015). Collection method: clinical testing. Allele origin: germline.
Comment: This sequence change replaces aspartic acid, which is acidic and polar, with glutamic acid, which is acidic and polar, at codon 180 of the COL13A1 protein (p.Asp180Glu). This variant is present in population databases (rs202115626, gnomAD 0.08%). This variant has not been reported in the literature in individuals affected with COL13A1-related conditions. ClinVar contains an entry for this variant (Variation ID: 1031125). Algorithms developed to predict the effect of missense changes on protein structure and function (SIFT, PolyPhen-2, Align-GVGD) all suggest that this variant is likely to be disruptive. In summary, the available evidence is currently insufficient to determine the role of this variant in disease. Therefore, it has been classified as a Variant of Uncertain Significance.

Baylor Genetics
Classification: Uncertain significance for Congenital myasthenic syndrome 19. Last evaluated: 2019-03-26. Review status: criteria provided, single submitter. Criteria: ACMG Guidelines, 2015. Collection method: clinical testing. Allele origin: unknown. Affected: yes.
Comment: This variant was determined to be of uncertain significance according to ACMG Guidelines, 2015 [PMID:25741868].

NM_001368882.1(COL13A1):c.567C>A (p.Asp189Glu)

Gene: COL13A1 (collagen type XIII alpha 1 chain; plus strand). Cytogenetic location: 10q22.1.
Variant type: single nucleotide variant.
Coding change: c.567C>A on transcript NM_001368882.1 (MANE Select); coding-DNA position 567, C replaced by A.
Protein change: p.Asp189Glu; replaces aspartic acid 189 with glutamic acid.
Molecular consequence: missense variant. On other transcripts: 5 prime UTR variant (1).
Genome position (GRCh38, 1-based): chr10:69,888,321, C>A. VCF-style: chr10-69888321-C-A. GRCh37 (hg19) VCF-style: chr10-71648077-C-A.
Other names: p.Asp180Glu; c.531C>A, p.Asp177Glu (NM_001368883.1, NM_001368885.1); c.567C>A, p.Asp189Glu (NM_001368884.1, NM_001320951.2); c.-34C>A (NM_001368886.1); c.477C>A, p.Asp159Glu (NM_001368895.1); c.426C>A, p.Asp142Glu (NM_001368896.1, NM_001368898.1, NM_080798.4); c.453C>A, p.Asp151Glu (NM_001368897.1, NM_080805.4); c.540C>A, p.Asp180Glu (NM_001130103.2, NM_080800.4, NM_080801.4 and 1 more transcripts); short protein forms D151E, D142E, D180E, D189E, D159E, D177E.
Identifiers: ClinVar variation 1031125 (VCV001031125.9), dbSNP rs202115626, ClinGen allele CA5534259.